The following is an entry in ClinVar:

NM_004539.4(NARS1):c.1601G>A (p.Arg534Gln)

Gene: NARS1 (asparaginyl-tRNA synthetase 1; minus strand). Cytogenetic location: 18q21.31.
Variant type: single nucleotide variant.
Coding change: c.1601G>A on transcript NM_004539.4 (MANE Select); coding-DNA position 1601, G replaced by A.
Protein change: p.Arg534Gln; replaces arginine 534 with glutamine.
Molecular consequence: missense variant.
Genome position (GRCh38, 1-based): chr18:57,601,698, C>T on the plus strand (G>A on the coding strand, the complement: NARS1 is on the minus strand). VCF-style: chr18-57601698-C-T. GRCh37 (hg19) VCF-style: chr18-55268930-C-T.
Other names: short protein forms R534Q.
Identifiers: ClinVar variation 2557691 (VCV002557691.27), dbSNP rs201913524, ClinGen allele CA8973370.

ClinVar aggregate classification (germline): Uncertain significance. Review status: criteria provided, multiple submitters, no conflicts (2 of 4 stars). 3 submissions from 3 submitters: Uncertain significance (3). Last evaluated 2026-08-25.

Conditions:
NARS1-related disorder. Also called: NARS1-related condition.

Allele frequency attached by ClinVar (database versions not stated): TOPMed 0.00001; ExAC 0.00002.
gnomAD v4.1: 23 of 1,613,818 alleles (0.0014%); highest among the groups gnomAD compares: South Asian, 0.0022%; no homozygotes.

Submissions (3):

PreventionGenetics, part of Exact Sciences
Classification: Uncertain significance for NARS1-related condition. Last evaluated: 2026-08-25. Review status: criteria provided, single submitter. Criteria: ACMG Guidelines, 2015. Collection method: clinical testing. Allele origin: germline.
Comment: The NARS1 c.1601G>A variant is predicted to result in the amino acid substitution p.Arg534Gln. To our knowledge, this variant has not been reported in the literature. This variant is reported in 0.0065% of alleles in individuals of South Asian descent in gnomAD. At this time, the clinical significance of this variant is uncertain due to the absence of conclusive functional and genetic evidence.

CeGaT Center for Human Genetics Tuebingen
Classification: Uncertain significance. Last evaluated: 2023-09-01. Review status: criteria provided, single submitter. Criteria: CeGaT Center For Human Genetics Tuebingen Variant Classification Criteria Version 2. Collection method: clinical testing. Allele origin: germline. Affected: yes. Observed: 1 variant allele.
Comment: NARS1: PM2, PP3

Ambry Genetics
Classification: Uncertain significance. Last evaluated: 2023-06-06. Review status: criteria provided, single submitter. Criteria: Ambry Variant Classification Scheme 2023. Collection method: clinical testing. Allele origin: germline.